The following is an entry in ClinVar:

NM_016247.4(IMPG2):c.277C>A (p.Pro93Thr)

Gene: IMPG2 (interphotoreceptor matrix proteoglycan 2; minus strand). Cytogenetic location: 3q12.3.
Variant type: single nucleotide variant.
Coding change: c.277C>A on transcript NM_016247.4 (MANE Select); coding-DNA position 277, C replaced by A.
Protein change: p.Pro93Thr; replaces proline 93 with threonine.
Molecular consequence: missense variant.
Genome position (GRCh38, 1-based): chr3:101,319,641, G>T on the plus strand (C>A on the coding strand, the complement: IMPG2 is on the minus strand). VCF-style: chr3-101319641-G-T. GRCh37 (hg19) VCF-style: chr3-101038485-G-T.
Other names: c.277C>A (NM_016247.3); short protein forms P93T.
Identifiers: ClinVar variation 1045077 (VCV001045077.11), dbSNP rs757163692, ClinGen allele CA2519524.

ClinVar aggregate classification (germline): Uncertain significance. Review status: criteria provided, multiple submitters, no conflicts (2 of 4 stars). 2 submissions from 2 submitters: Uncertain significance (2). Last evaluated 2025-04-25.

Conditions:
Inborn genetic diseases. Identifiers: MedGen C0950123, MeSH D030342.

Allele frequency attached by ClinVar (database versions not stated): gnomAD 0.00001; gnomAD exomes 0.00001; ExAC 0.00002.
gnomAD v4.1: 14 of 1,613,426 alleles (0.00087%); highest among the groups gnomAD compares: Non-Finnish European, 0.000085%; no homozygotes.

Submissions (2):

Ambry Genetics
Classification: Uncertain significance for Inborn genetic diseases. Last evaluated: 2025-04-25. Review status: criteria provided, single submitter. Criteria: Ambry Variant Classification Scheme 2023. Collection method: clinical testing. Allele origin: germline.

Labcorp Genetics (formerly Invitae), Labcorp
Classification: Uncertain significance. Last evaluated: 2020-02-18. Review status: criteria provided, single submitter. Criteria: Invitae Variant Classification Sherloc (09022015). Collection method: clinical testing. Allele origin: germline.
Comment: This sequence change replaces proline with threonine at codon 93 of the IMPG2 protein (p.Pro93Thr). The proline residue is highly conserved and there is a small physicochemical difference between proline and threonine. This variant is present in population databases (rs757163692, ExAC 0.003%). This variant has not been reported in the literature in individuals with IMPG2-related conditions. Algorithms developed to predict the effect of missense changes on protein structure and function are either unavailable or do not agree on the potential impact of this missense change (SIFT: "Deleterious"; PolyPhen-2: "Possibly Damaging"; Align-GVGD: "Class C0"). In summary, the available evidence is currently insufficient to determine the role of this variant in disease. Therefore, it has been classified as a Variant of Uncertain Significance.